The following is an entry in ClinVar:

ClinVar aggregate classification (germline): Likely pathogenic (1 of 4 stars; one submission).

Submission:

GeneDx
Classification: Likely pathogenic. Last evaluated: 2023-07-12. Review status: criteria provided, single submitter. Criteria: GeneDx Variant Classification Process June 2021. Collection method: clinical testing. Allele origin: germline. Affected: yes.
Comment: Canonical splice site variant predicted to result in an in-frame loss of the adjacent exon in a gene for which loss of function is a known mechanism of disease; Has not been previously published as pathogenic or benign to our knowledge; Located in a region of TTN in which the majority of pathogenic variants have been reported in association with autosomal recessive titinopathies (Fernandez-Marmiesse et al., 2017; Chervinsky et al., 2018; Bryen, et al., 2020; Savarese et al., 2020); This variant is associated with the following publications: (PMID: 28040389, 29575618, 31660661, 32778822)

NM_001267550.2(TTN):c.39896-1G>A

Gene: TTN (titin; minus strand). Cytogenetic location: 2q31.2.
Variant type: single nucleotide variant.
Coding change: c.39896-1G>A on transcript NM_001267550.2 (MANE Select); the canonical splice acceptor site of the intron before coding-DNA position 39896, G replaced by A.
Molecular consequence: splice acceptor variant. On other transcripts: intron variant (5).
Genome position (GRCh38, 1-based): chr2:178,649,632, C>T on the plus strand (G>A on the coding strand, the complement: TTN is on the minus strand). VCF-style: chr2-178649632-C-T. GRCh37 (hg19) VCF-style: chr2-179514359-C-T.
Other names: c.13283-7315G>A (NM_003319.4); c.13859-7315G>A (NM_133437.4); c.13658-7315G>A (NM_133432.3); c.32593+185G>A (NM_133378.4); c.35374+185G>A (NM_001256850.1).
Identifiers: ClinVar variation 3360963 (VCV003360963.1).